The following is an entry in ClinVar:

NM_145239.3(PRRT2):c.908_913dup (p.Asp304_Gly305insValAsp)

Genes: MVP-DT (MVP divergent transcript; minus strand), PRRT2 (proline rich transmembrane protein 2; plus strand). Cytogenetic location: 16p11.2.
Variant type: Duplication.
Coding change: c.908_913dup on transcript NM_145239.3 (MANE Select); coding-DNA positions 908 to 913, 6 bases duplicated (TGGACG; older notation c.908_913dupTGGACG).
Protein change: p.Asp304_Gly305insValAsp.
Molecular consequence: 3 prime UTR variant (on NM_001256443.2).
Genome position (GRCh38, 1-based): chr16:29,814,361-29,814,366, TGGACG duplicated; duplicating any 6 consecutive bases within chr16:29,814,356-29,814,366 gives the same sequence; the c. name uses the placement nearest the transcript's 3' end. VCF-style (leftmost placement, unchanged base first): chr16-29814355-G-GGGACGT. GRCh37 (hg19) VCF-style: chr16-29825676-G-GGGACGT.
Other names: c.908_913dup, p.Asp304_Gly305insValAsp (NM_001256442.2); c.*407_*412dup (NM_001256443.2).
Identifiers: ClinVar variation 3663016 (VCV003663016.2).
Genomic context (GRCh38, chr16:29,814,355, plus strand): 5'-CCCCGGCTATGTGCCTCCACCCCTCGCCCTAACCCCAGTCCCGGAACAGCCTGCAGCAGG[G>GGGACGT]GGACGTGGACGGGGCCCAGCGTCTGGGCCGGGTAGCCAAGCTCTTAAGCATCGTGGCGCT-3'

ClinVar aggregate classification (germline): Uncertain significance (1 of 4 stars; one submission).

Conditions:
Episodic kinesigenic dyskinesia (EKD). Also called: Paroxysmal kinesigenic dyskinesia. Identifiers: Orphanet 98809, MedGen C1868682, MONDO:0044202.

Submission:

Labcorp Genetics (formerly Invitae), Labcorp
Classification: Uncertain significance for Episodic kinesigenic dyskinesia. Last evaluated: 2024-08-20. Review status: criteria provided, single submitter. Criteria: Invitae Variant Classification Sherloc (09022015). Collection method: clinical testing. Allele origin: germline.
Comment: This variant, c.908_913dup, results in the insertion of 2 amino acid(s) of the PRRT2 protein (p.Val303_Asp304dup), but otherwise preserves the integrity of the reading frame. This variant is not present in population databases (gnomAD no frequency). This variant has not been reported in the literature in individuals affected with PRRT2-related conditions. In summary, the available evidence is currently insufficient to determine the role of this variant in disease. Therefore, it has been classified as a Variant of Uncertain Significance.